The following is an entry in ClinVar:

NM_000182.5(HADHA):c.2175C>T (p.Gly725=)

Genes: HADHA (hydroxyacyl-CoA dehydrogenase trifunctional multienzyme complex subunit alpha; minus strand), GAREM2 (GRB2 associated regulator of MAPK1 subtype 2; plus strand). Cytogenetic location: 2p23.3.
Variant type: single nucleotide variant.
Coding change: c.2175C>T on transcript NM_000182.5 (MANE Select); coding-DNA position 2175, C replaced by T.
Protein change: p.Gly725=; no amino-acid change (glycine 725 retained).
Molecular consequence: synonymous variant.
Genome position (GRCh38, 1-based): chr2:26,191,367, G>A on the plus strand (C>T on the coding strand, the complement: HADHA is on the minus strand). VCF-style: chr2-26191367-G-A. GRCh37 (hg19) VCF-style: chr2-26414236-G-A.
Identifiers: ClinVar variation 512927 (VCV000512927.62), dbSNP rs375399631, ClinGen allele CA1559331.
Genomic context (GRCh38, chr2:26,191,367, plus strand): 5'-GGTGAACTGTTTTCCATAGGCAGCTTCATATTTCTTGAGCCGGTCCACTATCTTCTGGGC[G>A]CCATACAGATCCACAAAGCGGAAAGGCCCTGAATAGAGAAAGAGGACTTCGTTGAAGGAG-3'
Protein context (NP_000173.2, residues 715-735): GGPFRFVDLY[Gly725=]AQKIVDRLKK

ClinVar aggregate classification (germline): Conflicting classifications of pathogenicity. Review status: criteria provided, conflicting classifications (1 of 4 stars). 8 submissions from 7 submitters: Uncertain significance (3); Likely benign (4). 1 of the submissions does not count toward it. Last evaluated 2026-01-25.

Conditions:
Mitochondrial trifunctional protein deficiency. Identifiers: Orphanet 746, MedGen C1969443, MONDO:0012172.
Long chain 3-hydroxyacyl-CoA dehydrogenase deficiency. Also called: Deficiency of long-chain 3-hydroxyacyl-coenzyme A dehydrogenase; LCHAD Deficiency. Identifiers: Orphanet 5, MedGen C3711645, MONDO:0012173, OMIM 609016.
HADHA-related disorder. Also called: HADHA-related condition; HADHA-related disorders.

Allele frequency attached by ClinVar (database versions not stated): ExAC 0.00012; TOPMed 0.00015; gnomAD exomes 0.00016 and 0.00019; gnomAD 0.00020 and 0.00021; ESP Exome Variant Server 0.00023.
gnomAD v4.1: 270 of 1,614,144 alleles (0.017%); highest among the groups gnomAD compares: Middle Eastern, 0.033%; 1 homozygote.

Submissions (8):

Labcorp Genetics (formerly Invitae), Labcorp
Classification: Likely benign for Mitochondrial trifunctional protein deficiency; Long chain 3-hydroxyacyl-CoA dehydrogenase deficiency. Last evaluated: 2026-01-25. Review status: criteria provided, single submitter. Criteria: Invitae Variant Classification Sherloc (09022015). Collection method: clinical testing. Allele origin: germline.

Blueprint Genetics
Classification: Likely benign. Last evaluated: 2024-11-25. Review status: criteria provided, single submitter. Criteria: ACMG Guidelines, 2015. Collection method: clinical testing. Allele origin: germline.

CeGaT Center for Human Genetics Tuebingen
Classification: Likely benign. Last evaluated: 2024-07-01. Review status: criteria provided, single submitter. Criteria: CeGaT Center For Human Genetics Tuebingen Variant Classification Criteria Version 2. Collection method: clinical testing. Allele origin: germline. Affected: yes. Observed: 5 variant alleles.
Comment: HADHA: BP4, BP7

GeneDx
Classification: Likely benign. Last evaluated: 2021-10-23. Review status: criteria provided, single submitter. Criteria: GeneDx Variant Classification Process June 2021. Collection method: clinical testing. Allele origin: germline. Affected: yes.

Illumina Laboratory Services, Illumina
Classification: Uncertain significance for Long chain 3-hydroxyacyl-CoA dehydrogenase deficiency. Last evaluated: 2018-01-12. Review status: criteria provided, single submitter. Criteria: ICSL Variant Classification Criteria 13 December 2019. Collection method: clinical testing. Allele origin: germline.

Illumina Laboratory Services, Illumina
Classification: Uncertain significance for Mitochondrial trifunctional protein deficiency 1. Last evaluated: 2018-01-12. Review status: criteria provided, single submitter. Criteria: ICSL Variant Classification Criteria 13 December 2019. Collection method: clinical testing. Allele origin: germline.

Eurofins Ntd Llc (ga)
Classification: Uncertain significance. Last evaluated: 2017-08-16. Review status: criteria provided, single submitter. Criteria: EGL Classification Definitions 2015. Collection method: clinical testing. Allele origin: germline. Observed: 1 variant allele, 1 heterozygote.

PreventionGenetics, part of Exact Sciences
Classification: Likely benign for HADHA-related condition. Last evaluated: 2019-12-19. Review status: no assertion criteria provided. Collection method: clinical testing. Allele origin: germline. Not counted in ClinVar's aggregate classification.
Comment: This variant is classified as likely benign based on ACMG/AMP sequence variant interpretation guidelines (Richards et al. 2015 PMID: 25741868, with internal and published modifications).